The following is an entry in ClinVar:

ClinVar aggregate classification (germline): Uncertain significance (1 of 4 stars; one submission).

Submission:

Ambry Genetics
Classification: Uncertain significance. Last evaluated: 2022-01-04. Review status: criteria provided, single submitter. Criteria: Ambry Variant Classification Scheme 2023. Collection method: clinical testing. Allele origin: germline.
Comment: The p.M3929I variant (also known as c.11787G>A), located in coding exon 83 of the PRKDC gene, results from a G to A substitution at nucleotide position 11787. The methionine at codon 3929 is replaced by isoleucine, an amino acid with highly similar properties. This amino acid position is conserved. In addition, this alteration is predicted to be tolerated by in silico analysis. Since supporting evidence is limited at this time, the clinical significance of this alteration remains unclear.

NM_006904.7(PRKDC):c.11787G>A (p.Met3929Ile)

Gene: PRKDC (protein kinase, DNA-activated, catalytic subunit; minus strand). Cytogenetic location: 8q11.21.
Variant type: single nucleotide variant.
Coding change: c.11787G>A on transcript NM_006904.7 (MANE Select); coding-DNA position 11787, G replaced by A.
Protein change: p.Met3929Ile; replaces methionine 3929 with isoleucine.
Molecular consequence: missense variant.
Genome position (GRCh38, 1-based): chr8:47,778,525, C>T on the plus strand (G>A on the coding strand, the complement: PRKDC is on the minus strand). VCF-style: chr8-47778525-C-T. GRCh37 (hg19) VCF-style: chr8-48691086-C-T.
Other names: c.11694G>A, p.Met3898Ile (NM_001081640.2); short protein forms M3898I, M3929I.
Identifiers: ClinVar variation 1741168 (VCV001741168.2), dbSNP rs2551859886, ClinGen allele CA371128563.
Genomic context (GRCh38, chr8:47,778,525, plus strand): 5'-AGCGGATCCAAACGCATGCCCAAAGTCGATCCCGATCACGCCGCCAGTCTCCATGGCCAC[C>T]ATAAAGTTGTTCAGATGTCTGTCTCCAATCCCGAGGATCCAGTGGCTGATGCATATCAGA-3'
Protein context (NP_008835.5, residues 3919-3939): GIGDRHLNNF[Met3929Ile]VAMETGGVIG